The following is an entry in ClinVar:

ClinVar aggregate classification (germline): Benign/Likely benign. Review status: criteria provided, multiple submitters, no conflicts (2 of 4 stars). 5 submissions from 5 submitters: Benign (4); Likely benign (1). Last evaluated 2025-11-24.

Allele frequency attached by ClinVar (database versions not stated): gnomAD exomes 0.07563; ExAC 0.07758; ESP Exome Variant Server 0.09480; gnomAD 0.10280 and 0.10307; TOPMed 0.11016; 1000 Genomes Project 0.13638; 1000 Genomes Project 30x 0.14225.
gnomAD v4.1: 100,491 of 1,614,082 alleles (6.2%); highest among the groups gnomAD compares: African/African-American, 22%; 4,779 homozygotes.

Submissions (5):

Labcorp Genetics (formerly Invitae), Labcorp
Classification: Benign. Last evaluated: 2025-11-24. Review status: criteria provided, single submitter. Criteria: Invitae Variant Classification Sherloc (09022015). Collection method: clinical testing. Allele origin: germline.

Blueprint Genetics
Classification: Likely benign. Last evaluated: 2024-11-26. Review status: criteria provided, single submitter. Criteria: ACMG Guidelines, 2015. Collection method: clinical testing. Allele origin: germline.

Mayo Clinic Laboratories, Mayo Clinic
Classification: Benign. Last evaluated: 2022-09-06. Review status: criteria provided, single submitter. Criteria: ACMG Guidelines, 2015. Collection method: clinical testing. Allele origin: germline. Observed: 13 variant alleles.

Laboratory for Molecular Medicine, Mass General Brigham Personalized Medicine
Classification: Benign. Last evaluated: 2016-03-28. Review status: criteria provided, single submitter. Criteria: LMM Criteria. Collection method: clinical testing. Allele origin: germline.
Comment: Variant identified in a genome or exome case(s) and assessed due to predicted null impact of the variant or pathogenic assertions in the literature or databases. Disclaimer: This variant has not undergone full assessment. The following are preliminary notes: Frequency

Breakthrough Genomics
Classification: Benign. Review status: criteria provided, single submitter. Criteria: ACMG Guidelines, 2015. Collection method: not provided. Allele origin: germline. Inheritance: Autosomal recessive inheritance. Affected: yes.

NM_000562.3(C8A):c.1455C>T (p.Arg485=)

Gene: C8A (complement C8 alpha chain; plus strand). Cytogenetic location: 1p32.2.
Variant type: single nucleotide variant.
Coding change: c.1455C>T on transcript NM_000562.3 (MANE Select); coding-DNA position 1455, C replaced by T.
Protein change: p.Arg485=; no amino-acid change (arginine 485 retained).
Molecular consequence: synonymous variant.
Genome position (GRCh38, 1-based): chr1:56,912,477, C>T. VCF-style: chr1-56912477-C-T. GRCh37 (hg19) VCF-style: chr1-57378150-C-T.
Other names: p.Arg485=.
Identifiers: ClinVar variation 402462 (VCV000402462.16), dbSNP rs1620073, ClinGen allele CA875402.